The following is an entry in ClinVar:

NM_020964.3(EPG5):c.5455A>G (p.Thr1819Ala)

Gene: EPG5 (ectopic P-granules 5 autophagy tethering factor; minus strand). Cytogenetic location: 18q12.3.
Variant type: single nucleotide variant.
Coding change: c.5455A>G on transcript NM_020964.3 (MANE Select); coding-DNA position 5455, A replaced by G.
Protein change: p.Thr1819Ala; replaces threonine 1819 with alanine.
Molecular consequence: missense variant.
Genome position (GRCh38, 1-based): chr18:45,882,337, T>C on the plus strand (A>G on the coding strand, the complement: EPG5 is on the minus strand). VCF-style: chr18-45882337-T-C. GRCh37 (hg19) VCF-style: chr18-43462302-T-C.
Other names: c.5455A>G, p.Thr1819Ala (NM_001410858.1, NM_001410859.1); short protein forms T1819A.
Identifiers: ClinVar variation 2162414 (VCV002162414.2), dbSNP rs1367810444, ClinGen allele CA402344697.
Genomic context (GRCh38, chr18:45,882,337, plus strand): 5'-GCATAAGCAGCCTGAGAATGTCACTGTACTGGTCAGGAAACTGGTAGAGAAGAAGATAAG[T>C]CCAGTGCTTACAGAAAAGATTAAATGGCATCAAAATATCCTCATCTGGTTCAAGGCCCCA-3'
Protein context (NP_066015.2, residues 1809-1829): MPFNLFCKHW[Thr1819Ala]YLLLYQFPDQ

ClinVar aggregate classification (germline): Uncertain significance (1 of 4 stars; one submission).

Conditions:
Vici syndrome (VICIS). Identifiers: Orphanet 1493, MedGen C1855772, MONDO:0009452, OMIM 242840.

Allele frequency attached by ClinVar (database versions not stated): gnomAD 0.00001; TOPMed 0.00001; gnomAD exomes 0.00007.
gnomAD v4.1: 107 of 1,614,032 alleles (0.0066%); highest among the groups gnomAD compares: Non-Finnish European, 0.0089%; no homozygotes.

Submission:

Labcorp Genetics (formerly Invitae), Labcorp
Classification: Uncertain significance for Vici syndrome. Last evaluated: 2025-08-25. Review status: criteria provided, single submitter. Criteria: Invitae Variant Classification Sherloc (09022015). Collection method: clinical testing. Allele origin: germline.
Comment: This sequence change replaces threonine, which is neutral and polar, with alanine, which is neutral and non-polar, at codon 1819 of the EPG5 protein (p.Thr1819Ala). This variant is present in population databases (no rsID available, gnomAD 0.0009%). This variant has not been reported in the literature in individuals affected with EPG5-related conditions. ClinVar contains an entry for this variant (Variation ID: 2162414). Invitae Evidence Modeling of protein sequence and biophysical properties (such as structural, functional, and spatial information, amino acid conservation, physicochemical variation, residue mobility, and thermodynamic stability) indicates that this missense variant is not expected to disrupt EPG5 protein function with a negative predictive value of 80%. In summary, the available evidence is currently insufficient to determine the role of this variant in disease. Therefore, it has been classified as a Variant of Uncertain Significance.